The following is an entry in ClinVar:

ClinVar aggregate classification (germline): Pathogenic (1 of 4 stars; one submission).

Conditions:
Familial thoracic aortic aneurysm and aortic dissection (TAAD). Also called: Thoracic aortic aneurysms and dissections. Identifiers: Orphanet 91387, MedGen C4707243, MONDO:0019625.

Submission:

Ambry Genetics
Classification: Pathogenic for Familial thoracic aortic aneurysm and aortic dissection. Last evaluated: 2018-09-25. Review status: criteria provided, single submitter. Criteria: Ambry Variant Classification Scheme 2023. Collection method: clinical testing. Allele origin: germline.
Comment: The c.969delAinsCC pathogenic mutation, located in coding exon 8 of the FBN1 gene, results from the deletion of one nucleotide and insertion of two nucleotides at position 969, causing a translational frameshift with a predicted alternate stop codon (p.D324Rfs*24). This alteration is expected to result in loss of function by premature protein truncation or nonsense-mediated mRNA decay. As such, this alteration is interpreted as a disease-causing mutation.

NM_000138.5(FBN1):c.969delinsCC (p.Asp324fs)

Gene: FBN1 (fibrillin 1; minus strand). Cytogenetic location: 15q21.1.
Variant type: Indel.
Coding change: c.969delinsCC on transcript NM_000138.5 (MANE Select); coding-DNA position 969, A replaced by CC.
Protein change: p.Asp324fs; shifts the reading frame from aspartic acid 324.
Molecular consequence: frameshift variant.
Genome position (GRCh38, 1-based): chr15:48,526,149, T replaced by GG on the plus strand (A replaced by CC on the coding strand, the reverse complement: FBN1 is on the minus strand). VCF-style: chr15-48526149-T-GG. GRCh37 (hg19) VCF-style: chr15-48818346-T-GG.
Other names: c.969delAinsCC, p.Asp324Argfs (NM_001406716.1); short protein forms D324fs.
Identifiers: ClinVar variation 1767845 (VCV001767845.2), dbSNP rs2505640596, ClinGen allele CA2580089609.